The following is an entry in ClinVar:

ClinVar aggregate classification (germline): Pathogenic (1 of 4 stars; one submission).

Conditions:
Pitt-Hopkins syndrome (PTHS). Also called: ENCEPHALOPATHY, SEVERE EPILEPTIC, WITH AUTONOMIC DYSFUNCTION; MENTAL RETARDATION, SYNDROMAL, WITH INTERMITTENT HYPERVENTILATION. Identifiers: Orphanet 2896, MedGen C1970431, MONDO:0012589, OMIM 610954.

Submission:

Greenwood Genetic Center Diagnostic Laboratories, Greenwood Genetic Center
Classification: Pathogenic for Pitt-Hopkins syndrome. Last evaluated: 2024-08-07. Review status: criteria provided, single submitter. Criteria: ACMG Guidelines, 2015. Collection method: clinical testing. Allele origin: germline. Affected: yes.
Comment: PVS1, PS2, PM2

NM_001083962.2(TCF4):c.856del (p.Ser286fs)

Genes: TCF4 (transcription factor 4; minus strand), LOC126862757 (CDK7 strongly-dependent group 2 enhancer GRCh37_chr18:52936433-52937632; plus strand). Cytogenetic location: 18q21.2.
Variant type: Deletion.
Coding change: c.856del on transcript NM_001083962.2 (MANE Select); coding-DNA position 856, one base deleted (A; older notation c.856delA).
Protein change: p.Ser286fs; shifts the reading frame from serine 286.
Molecular consequence: frameshift variant.
Genome position (GRCh38, 1-based): chr18:55,269,897, T deleted on the plus strand (A on the coding strand, the reverse complement: TCF4 is on the minus strand). VCF-style (leftmost placement, unchanged base first): chr18-55269896-CT-C. GRCh37 (hg19) VCF-style: chr18-52937127-CT-C.
Other names: c.1162del, p.Ser388fs (NM_001243226.3); c.784del, p.Ser262fs (NM_001243227.2, NM_001306207.1, NM_001348217.1 and 9 more transcripts); c.874del, p.Ser292fs (NM_001243228.2); c.850del, p.Ser284fs (NM_001243230.2); c.730del, p.Ser244fs (NM_001243231.2, NM_001348211.2); c.643del, p.Ser215fs (NM_001243232.1, NM_001306208.1); c.466del, p.Ser156fs (NM_001243233.2, NM_001330605.3, NM_001348212.2 and 1 more transcripts); c.376del, p.Ser126fs (NM_001243234.2, NM_001243235.2, NM_001243236.2 and 2 more transcripts); and 4 more; short protein forms S126fs, S156fs, S215fs, S244fs, S261fs, S262fs, S284fs, S285fs.
Identifiers: ClinVar variation 3765565 (VCV003765565.1).